The following is an entry in ClinVar:

NM_007194.4(CHEK2):c.695G>A (p.Gly232Glu)

Gene: CHEK2 (checkpoint kinase 2; minus strand). Cytogenetic location: 22q12.1.
Variant type: single nucleotide variant.
Coding change: c.695G>A on transcript NM_007194.4 (MANE Select); coding-DNA position 695, G replaced by A.
Protein change: p.Gly232Glu; replaces glycine 232 with glutamic acid.
Molecular consequence: missense variant.
Genome position (GRCh38, 1-based): chr22:28,712,006, C>T on the plus strand (G>A on the coding strand, the complement: CHEK2 is on the minus strand). VCF-style: chr22-28712006-C-T. GRCh37 (hg19) VCF-style: chr22-29107994-C-T.
Other names: c.824G>A, p.Gly275Glu (NM_001005735.3); c.32G>A, p.Gly11Glu (NM_001257387.3); c.494G>A, p.Gly165Glu (NM_001349956.3); c.695G>A, p.Gly232Glu (NM_145862.3); short protein forms G232E, G165E, G275E, G11E.
Identifiers: ClinVar variation 233209 (VCV000233209.18), dbSNP rs779322187, ClinGen allele CA10581082.

ClinVar aggregate classification (germline): Uncertain significance. Review status: criteria provided, multiple submitters, no conflicts (2 of 4 stars). 3 submissions from 3 submitters: Uncertain significance (3). Last evaluated 2025-11-01.

Conditions:
Familial cancer of breast. Also called: BREAST CANCER, FAMILIAL; hereditary breast carcinoma; Hereditary breast cancer. Identifiers: Orphanet 227535, MedGen C0346153, MONDO:0016419, OMIM 114480. Disease mechanism: loss of function.
Hereditary cancer-predisposing syndrome. Also called: Neoplastic Syndromes, Hereditary; Tumor predisposition; Hereditary Cancer Syndrome; Hereditary neoplastic syndrome. Identifiers: Orphanet 140162, MedGen C0027672, MeSH D009386, MONDO:0015356.

Submissions (3):

Labcorp Genetics (formerly Invitae), Labcorp
Classification: Uncertain significance for Familial cancer of breast. Last evaluated: 2025-11-01. Review status: criteria provided, single submitter. Criteria: Invitae Variant Classification Sherloc (09022015). Collection method: clinical testing. Allele origin: germline.
Comment: This sequence change replaces glycine, which is neutral and non-polar, with glutamic acid, which is acidic and polar, at codon 232 of the CHEK2 protein (p.Gly232Glu). This variant is not present in population databases (gnomAD no frequency). This variant has not been reported in the literature in individuals affected with CHEK2-related conditions. ClinVar contains an entry for this variant (Variation ID: 233209). An algorithm developed to predict the effect of missense changes on protein structure and function (PolyPhen-2) suggests that this variant is likely to be disruptive. In summary, the available evidence is currently insufficient to determine the role of this variant in disease. Therefore, it has been classified as a Variant of Uncertain Significance.

Ambry Genetics
Classification: Uncertain significance for Hereditary cancer-predisposing syndrome. Last evaluated: 2025-06-12. Review status: criteria provided, single submitter. Criteria: Ambry Variant Classification Scheme 2023. Collection method: clinical testing. Allele origin: germline.
Comment: The p.G232E variant (also known as c.695G>A), located in coding exon 5 of the CHEK2 gene, results from a G to A substitution at nucleotide position 695. The glycine at codon 232 is replaced by glutamic acid, an amino acid with similar properties. This alteration was detected in 2/5589 German BRCA1/2-negative probands with breast cancer (Hauke J et al. Cancer Med, 2018 04;7:1349-1358). This amino acid position is highly conserved in available vertebrate species. In addition, this alteration is predicted to be deleterious by in silico analysis. Since supporting evidence is limited at this time, the clinical significance of this alteration remains unclear.

Color Diagnostics, LLC DBA Color Health
Classification: Uncertain significance for Hereditary cancer-predisposing syndrome. Last evaluated: 2018-11-19. Review status: criteria provided, single submitter. Criteria: ACMG Guidelines, 2015. Collection method: clinical testing. Allele origin: germline.

Literature cited by the submitters: PubMed 29522266 (cited by Ambry Genetics).